The following is an entry in ClinVar:

NM_001105206.3(LAMA4):c.1408C>G (p.Leu470Val)

Gene: LAMA4 (laminin subunit alpha 4; minus strand). Cytogenetic location: 6q21.
Variant type: single nucleotide variant.
Coding change: c.1408C>G on transcript NM_001105206.3 (MANE Select); coding-DNA position 1408, C replaced by G.
Protein change: p.Leu470Val; replaces leucine 470 with valine.
Molecular consequence: missense variant.
Genome position (GRCh38, 1-based): chr6:112,172,754, G>C on the plus strand (C>G on the coding strand, the complement: LAMA4 is on the minus strand). VCF-style: chr6-112172754-G-C. GRCh37 (hg19) VCF-style: chr6-112493956-G-C.
Other names: c.1387C>G, p.Leu463Val (NM_001105207.3, NM_002290.5); short protein forms L463V, L470V.
Identifiers: ClinVar variation 1307424 (VCV001307424.2), dbSNP rs782742484, ClinGen allele CA3965777.

ClinVar aggregate classification (germline): Uncertain significance (1 of 4 stars; one submission).

Allele frequency attached by ClinVar (database versions not stated): gnomAD exomes below 0.00001; ExAC 0.00001; gnomAD 0.00001; TOPMed 0.00001.
gnomAD v4.1: 3 of 1,614,014 alleles (0.00019%); highest among the groups gnomAD compares: African/African-American, 0.0013%; no homozygotes.

Submission:

GeneDx
Classification: Uncertain significance. Last evaluated: 2019-07-26. Review status: criteria provided, single submitter. Criteria: GeneDx Variant Classification Process June 2021. Collection method: clinical testing. Allele origin: germline. Affected: yes.
Comment: Has not been previously published as pathogenic or benign to our knowledge; Not observed at a significant frequency in large population cohorts (Lek et al., 2016); In silico analysis, which includes protein predictors and evolutionary conservation, supports that this variant does not alter protein structure/function